The following is an entry in ClinVar:

ClinVar aggregate classification (germline): Uncertain significance (1 of 4 stars; one submission).

Submission:

Labcorp Genetics (formerly Invitae), Labcorp
Classification: Uncertain significance. Last evaluated: 2022-08-09. Review status: criteria provided, single submitter. Criteria: Invitae Variant Classification Sherloc (09022015). Collection method: clinical testing. Allele origin: germline.
Comment: Algorithms developed to predict the effect of missense changes on protein structure and function are either unavailable or do not agree on the potential impact of this missense change (SIFT: "Deleterious"; PolyPhen-2: "Probably Damaging"; Align-GVGD: "Class C0"). In summary, the available evidence is currently insufficient to determine the role of this variant in disease. Therefore, it has been classified as a Variant of Uncertain Significance. This variant has not been reported in the literature in individuals affected with PLXNA1-related conditions. This sequence change replaces serine, which is neutral and polar, with tyrosine, which is neutral and polar, at codon 375 of the PLXNA1 protein (p.Ser375Tyr). This variant is not present in population databases (gnomAD no frequency).

NM_032242.4(PLXNA1):c.1124C>A (p.Ser375Tyr)

Gene: PLXNA1 (plexin A1; plus strand). Cytogenetic location: 3q21.3.
Variant type: single nucleotide variant.
Coding change: c.1124C>A on transcript NM_032242.4 (MANE Select); coding-DNA position 1124, C replaced by A.
Protein change: p.Ser375Tyr; replaces serine 375 with tyrosine.
Molecular consequence: missense variant.
Genome position (GRCh38, 1-based): chr3:126,989,717, C>A. VCF-style: chr3-126989717-C-A. GRCh37 (hg19) VCF-style: chr3-126708560-C-A.
Other names: short protein forms S375Y.
Identifiers: ClinVar variation 2115791 (VCV002115791.4), dbSNP rs2472504891, ClinGen allele CA354373820.